The following is an entry in ClinVar:

NM_014585.6(SLC40A1):c.389C>T (p.Thr130Ile)

Gene: SLC40A1 (solute carrier family 40 member 1; minus strand). Cytogenetic location: 2q32.2.
Variant type: single nucleotide variant.
Coding change: c.389C>T on transcript NM_014585.6 (MANE Select); coding-DNA position 389, C replaced by T.
Protein change: p.Thr130Ile; replaces threonine 130 with isoleucine.
Molecular consequence: missense variant.
Genome position (GRCh38, 1-based): chr2:189,571,840, G>A on the plus strand (C>T on the coding strand, the complement: SLC40A1 is on the minus strand). VCF-style: chr2-189571840-G-A. GRCh37 (hg19) VCF-style: chr2-190436566-G-A.
Other names: short protein forms T130I.
Identifiers: ClinVar variation 1309801 (VCV001309801.2), dbSNP rs915023560, ClinGen allele CA62903706.

ClinVar aggregate classification (germline): Uncertain significance (1 of 4 stars; one submission).

Allele frequency attached by ClinVar (database versions not stated): gnomAD exomes below 0.00001; gnomAD 0.00001.

Submission:

GeneDx
Classification: Uncertain significance. Last evaluated: 2019-10-30. Review status: criteria provided, single submitter. Criteria: GeneDx Variant Classification Process June 2021. Collection method: clinical testing. Allele origin: germline. Affected: yes.
Comment: Has not been previously published as pathogenic or benign to our knowledge; Not observed in large population cohorts (Lek et al., 2016); In silico analysis, which includes protein predictors and evolutionary conservation, supports that this variant does not alter protein structure/function